The following is an entry in ClinVar:

NM_004329.3(BMPR1A):c.1474-10T>A

Gene: BMPR1A (bone morphogenetic protein receptor type 1A; plus strand). Cytogenetic location: 10q23.2.
Variant type: single nucleotide variant.
Coding change: c.1474-10T>A on transcript NM_004329.3 (MANE Select); 10 bases into the intron before coding-DNA position 1474, T replaced by A.
Molecular consequence: intron variant.
Genome position (GRCh38, 1-based): chr10:86,923,584, T>A. VCF-style: chr10-86923584-T-A. GRCh37 (hg19) VCF-style: chr10-88683341-T-A.
Other names: c.1474-10T>A (NM_001406562.1, NM_001406568.1, NM_001406567.1 and 19 more transcripts); c.1390-10T>A (NM_001406584.1, NM_001406588.1, NM_001406587.1 and 2 more transcripts); c.1522-10T>A (NM_001406560.1); c.1549-10T>A (NM_001406559.1); c.1468-10T>A (NM_001406583.1); c.1132-10T>A (NM_001406589.1).
Identifiers: ClinVar variation 4757097 (VCV004757097.1).
Genomic context (GRCh38, chr10:86,923,584, plus strand): 5'-CCCTGAAGAAGTGATTCGTAAATGCCACCAAATATATTCTCTGCTCACTGAACATCTCTT[T>A]ACTTTTCAGTGTCTACGAGCAGTTTTGAAGCTAATGTCAGAATGCTGGGCCCACAATCCA-3'

ClinVar aggregate classification (germline): Uncertain significance (1 of 4 stars; one submission).

Conditions:
Hereditary cancer-predisposing syndrome. Also called: Tumor predisposition; Hereditary Cancer Syndrome; Neoplastic Syndromes, Hereditary; Hereditary neoplastic syndrome. Identifiers: Orphanet 140162, MedGen C0027672, MeSH D009386, MONDO:0015356.

Submission:

Color Diagnostics, LLC DBA Color Health
Classification: Uncertain significance for Hereditary cancer-predisposing syndrome. Last evaluated: 2025-06-24. Review status: criteria provided, single submitter. Criteria: ACMG Guidelines, 2015. Collection method: clinical testing. Allele origin: germline.
Comment: This variant causes a T to A nucleotide substitution at the -10 position of intron 12 of the BMPR1A gene. Splice site prediction tools suggest that this variant may impact RNA splicing. This variant has not been reported in individuals affected with BMPR1A-related disorders in the literature. This variant has not been identified in the general population by the Genome Aggregation Database (gnomAD). The available evidence is insufficient to determine the role of this variant in disease conclusively. Therefore, this variant is classified as a Variant of Uncertain Significance.